The following is an entry in ClinVar:

ClinVar aggregate classification (germline): Uncertain significance. Review status: criteria provided, multiple submitters, no conflicts (2 of 4 stars). 2 submissions from 2 submitters: Uncertain significance (2). Last evaluated 2026-04-21.

Submissions (2):

GeneDx
Classification: Uncertain significance. Last evaluated: 2026-04-21. Review status: criteria provided, single submitter. Criteria: GeneDx Variant Classification Process June 2021. Collection method: clinical testing. Allele origin: germline.
Comment: Not observed at significant frequency in large population cohorts (gnomAD); In silico analysis supports that this missense variant has a deleterious effect on protein structure/function; Has not been previously published as pathogenic or benign to our knowledge

CeGaT Center for Human Genetics Tuebingen
Classification: Uncertain significance. Last evaluated: 2024-06-01. Review status: criteria provided, single submitter. Criteria: CeGaT Center For Human Genetics Tuebingen Variant Classification Criteria Version 2. Collection method: clinical testing. Allele origin: germline. Affected: yes. Observed: 1 variant allele.
Comment: PHIP: PM2, PP2

NM_017934.7(PHIP):c.809T>C (p.Ile270Thr)

Gene: PHIP (PHIP subunit of CUL4-Ring ligase complex; minus strand). Cytogenetic location: 6q14.1.
Variant type: single nucleotide variant.
Coding change: c.809T>C on transcript NM_017934.7 (MANE Select); coding-DNA position 809, T replaced by C.
Protein change: p.Ile270Thr; replaces isoleucine 270 with threonine.
Molecular consequence: missense variant.
Genome position (GRCh38, 1-based): chr6:79,025,956, A>G on the plus strand (T>C on the coding strand, the complement: PHIP is on the minus strand). VCF-style: chr6-79025956-A-G. GRCh37 (hg19) VCF-style: chr6-79735673-A-G.
Other names: c.809T>C (NM_017934.5); short protein forms I270T.
Identifiers: ClinVar variation 3251155 (VCV003251155.20), dbSNP rs2482188588.